The following is an entry in ClinVar:

ClinVar aggregate classification (germline): Uncertain significance (1 of 4 stars; one submission).

Conditions:
Hereditary cancer-predisposing syndrome. Also called: Tumor predisposition; Hereditary neoplastic syndrome; Hereditary Cancer Syndrome; Neoplastic Syndromes, Hereditary. Identifiers: Orphanet 140162, MedGen C0027672, MeSH D009386, MONDO:0015356.

Submission:

Ambry Genetics
Classification: Uncertain significance for Hereditary cancer-predisposing syndrome. Last evaluated: 2025-05-06. Review status: criteria provided, single submitter. Criteria: Ambry Variant Classification Scheme 2023. Collection method: clinical testing. Allele origin: germline.
Comment: The p.A307S variant (also known as c.919G>T), located in coding exon 8 of the TSC1 gene, results from a G to T substitution at nucleotide position 919. The alanine at codon 307 is replaced by serine, an amino acid with similar properties. This amino acid position is conserved. In addition, this alteration is predicted to be tolerated by in silico analysis. Based on the available evidence, the clinical significance of this variant remains unclear.

NM_000368.5(TSC1):c.919G>T (p.Ala307Ser)

Gene: TSC1 (TSC complex subunit 1; minus strand). Cytogenetic location: 9q34.13.
Variant type: single nucleotide variant.
Coding change: c.919G>T on transcript NM_000368.5 (MANE Select); coding-DNA position 919, G replaced by T.
Protein change: p.Ala307Ser; replaces alanine 307 with serine.
Molecular consequence: missense variant. On other transcripts: 5 prime UTR variant (5), non-coding transcript variant (5).
Genome position (GRCh38, 1-based): chr9:132,911,563, C>A on the plus strand (G>T on the coding strand, the complement: TSC1 is on the minus strand). VCF-style: chr9-132911563-C-A. GRCh37 (hg19) VCF-style: chr9-135786950-C-A.
Other names: c.919G>T, p.Ala307Ser (NM_001406606.1, NM_001406607.1, NM_001406608.1 and 16 more transcripts); c.766G>T, p.Ala256Ser (NM_001406610.1, NM_001406611.1, NM_001406612.1 and 2 more transcripts); c.556G>T, p.Ala186Ser (NM_001406614.1, NM_001406615.1, NM_001362177.2 and 10 more transcripts); c.-33G>T (NM_001406626.1, NM_001406627.1, NM_001406628.1); c.-175G>T (NM_001406629.1, NM_001406630.1); short protein forms A186S, A307S, A256S.
Identifiers: ClinVar variation 3974567 (VCV003974567.1).